The following is an entry in ClinVar:

NM_024642.5(GALNT12):c.1416C>G (p.His472Gln)

Gene: GALNT12 (polypeptide N-acetylgalactosaminyltransferase 12; plus strand). Cytogenetic location: 9q22.33.
Variant type: single nucleotide variant.
Coding change: c.1416C>G on transcript NM_024642.5 (MANE Select); coding-DNA position 1416, C replaced by G.
Protein change: p.His472Gln; replaces histidine 472 with glutamine.
Molecular consequence: missense variant.
Genome position (GRCh38, 1-based): chr9:98,844,167, C>G. VCF-style: chr9-98844167-C-G. GRCh37 (hg19) VCF-style: chr9-101606449-C-G.
Other names: short protein forms H472Q.
Identifiers: ClinVar variation 1772132 (VCV001772132.3), dbSNP rs2490552523, ClinGen allele CA374221474.
Genomic context (GRCh38, chr9:98,844,167, plus strand): 5'-AGGACTAACAGACTACTGCTTTGACTATAACCCTCCCGATGAAAACCAGATTGTGGGACA[C>G]CAGGTCATTCTGTACCTCTGTCATGGGATGGGCCAGAATCAGGTAGGTATGAGCCTCAAA-3'
Protein context (NP_078918.3, residues 462-482): NPPDENQIVG[His472Gln]QVILYLCHGM

ClinVar aggregate classification (germline): Uncertain significance (1 of 4 stars; one submission).

Submission:

Ambry Genetics
Classification: Uncertain significance. Last evaluated: 2024-12-25. Review status: criteria provided, single submitter. Criteria: Ambry Variant Classification Scheme 2023. Collection method: clinical testing. Allele origin: germline.
Comment: The p.H472Q variant (also known as c.1416C>G), located in coding exon 8 of the GALNT12 gene, results from a C to G substitution at nucleotide position 1416. The histidine at codon 472 is replaced by glutamine, an amino acid with highly similar properties. This amino acid position is conserved. In addition, this alteration is predicted to be tolerated by in silico analysis. Since supporting evidence is limited at this time, the clinical significance of this alteration remains unclear.